The following is an entry in ClinVar:

ClinVar aggregate classification (germline): Likely pathogenic. Review status: criteria provided, multiple submitters, no conflicts (2 of 4 stars). 2 submissions from 2 submitters: Likely pathogenic (2). Last evaluated 2025-10-09.

Conditions:
Polycystic kidney disease 4 (PKD4). Also called: POLYCYSTIC KIDNEY DISEASE 4 WITH OR WITHOUT POLYCYSTIC LIVER DISEASE; PKD3; POLYCYSTIC KIDNEY AND HEPATIC DISEASE 1; POLYCYSTIC KIDNEY DISEASE, INFANTILE, TYPE I; Autosomal Recessive Polycystic Kidney Disease – PKHD1. Identifiers: MedGen C4540575, MONDO:0033004, OMIM 263200.
Autosomal recessive polycystic kidney disease (ARPKD). Also called: AR polycystic kidney disease. Identifiers: Orphanet 731, Orphanet 8378, MedGen C0085548, MeSH D017044, MONDO:0009889.

Submissions (2):

Natera, Inc.
Classification: Likely pathogenic for Autosomal recessive polycystic kidney disease. Last evaluated: 2025-10-09. Review status: criteria provided, single submitter. Criteria: Natera Variant Classification Schema (03/2026). Collection method: clinical testing. Allele origin: germline.
Comment: The c.527+1G>C variant in PKHD1 is a canonical splice donor site variant predicted to affect pre-mRNA splicing, which may result in an abnormal transcript and altered protein product. This variant is expected to result in nonsense mediated decay, truncation, or a dysfunctional protein product. This variant is rare in the general population with a frequency below the threshold expected for the associated phenotype(s). Given the available evidence, this variant is classified as Likely Pathogenic.

Baylor Genetics
Classification: Likely pathogenic for Polycystic kidney disease 4. Last evaluated: 2024-01-18. Review status: criteria provided, single submitter. Criteria: ACMG Guidelines, 2015. Collection method: clinical testing. Allele origin: unknown.

NM_138694.4(PKHD1):c.527+1G>C

Gene: PKHD1 (PKHD1 ciliary IPT domain containing fibrocystin/polyductin; minus strand). Cytogenetic location: 6p12.2.
Variant type: single nucleotide variant.
Coding change: c.527+1G>C on transcript NM_138694.4 (MANE Select); the canonical splice donor site of the intron after coding-DNA position 527, G replaced by C.
Molecular consequence: splice donor variant.
Genome position (GRCh38, 1-based): chr6:52,073,462, C>G on the plus strand (G>C on the coding strand, the complement: PKHD1 is on the minus strand). VCF-style: chr6-52073462-C-G. GRCh37 (hg19) VCF-style: chr6-51938260-C-G.
Other names: c.527+1G>C (NM_170724.3, NM_138694.3).
Identifiers: ClinVar variation 3240141 (VCV003240141.2), dbSNP rs2533627791.